The following is an entry in ClinVar:

ClinVar aggregate classification (germline): Conflicting classifications of pathogenicity. Review status: criteria provided, conflicting classifications (1 of 4 stars). 2 submissions from 2 submitters: Uncertain significance (1); Likely benign (1). Last evaluated 2023-09-13.

Conditions:
Inborn genetic diseases. Identifiers: MedGen C0950123, MeSH D030342.

Allele frequency attached by ClinVar (database versions not stated): ExAC 0.00004; gnomAD exomes 0.00005; gnomAD 0.00007 and 0.00009; ESP Exome Variant Server 0.00008; TOPMed 0.00008.
gnomAD v4.1: 86 of 1,602,892 alleles (0.0054%); highest among the groups gnomAD compares: Admixed American, 0.027%; no homozygotes.

Submissions (2):

Labcorp Genetics (formerly Invitae), Labcorp
Classification: Uncertain significance. Last evaluated: 2023-09-13. Review status: criteria provided, single submitter. Criteria: Invitae Variant Classification Sherloc (09022015). Collection method: clinical testing. Allele origin: germline.
Comment: This variant has not been reported in the literature in individuals affected with LAMA1-related conditions. In summary, the available evidence is currently insufficient to determine the role of this variant in disease. Therefore, it has been classified as a Variant of Uncertain Significance. Algorithms developed to predict the effect of missense changes on protein structure and function output the following: SIFT: "Not Available"; PolyPhen-2: "Benign"; Align-GVGD: "Not Available". The leucine amino acid residue is found in multiple mammalian species, which suggests that this missense change does not adversely affect protein function. ClinVar contains an entry for this variant (Variation ID: 1403243). This variant is present in population databases (rs369026696, gnomAD 0.01%). This sequence change replaces serine, which is neutral and polar, with leucine, which is neutral and non-polar, at codon 722 of the LAMA1 protein (p.Ser722Leu).

Ambry Genetics
Classification: Likely benign for Inborn genetic diseases. Last evaluated: 2021-09-15. Review status: criteria provided, single submitter. Criteria: Ambry Variant Classification Scheme 2023. Collection method: clinical testing. Allele origin: germline.

NM_005559.4(LAMA1):c.2165C>T (p.Ser722Leu)

Gene: LAMA1 (laminin subunit alpha 1; minus strand). Cytogenetic location: 18p11.31.
Variant type: single nucleotide variant.
Coding change: c.2165C>T on transcript NM_005559.4 (MANE Select); coding-DNA position 2165, C replaced by T.
Protein change: p.Ser722Leu; replaces serine 722 with leucine.
Molecular consequence: missense variant.
Genome position (GRCh38, 1-based): chr18:7,032,175, G>A on the plus strand (C>T on the coding strand, the complement: LAMA1 is on the minus strand). VCF-style: chr18-7032175-G-A. GRCh37 (hg19) VCF-style: chr18-7032174-G-A.
Other names: c.2165C>T (NM_005559.3); short protein forms S722L.
Identifiers: ClinVar variation 1403243 (VCV001403243.8), dbSNP rs369026696, ClinGen allele CA8882732.
Genomic context (GRCh38, chr18:7,032,175, plus strand): 5'-CAGGGTTGACAAATTCCTCCAAAGAGTATTCCATCCACGCGGTAATAGCCAGAGAGGCAC[G>A]ACTGCAAGAGAAGGGAAAGTCATCCTCTTTCCACTACGTTACAAACAGAAACTGCTCAGT-3'
Protein context (NP_005550.2, residues 712-732): PQGYTGTSCE[Ser722Leu]CLSGYYRVDG